The following is an entry in ClinVar:

NM_001849.4(COL6A2):c.557G>T (p.Arg186Leu)

Gene: COL6A2 (collagen type VI alpha 2 chain; plus strand). Cytogenetic location: 21q22.3.
Variant type: single nucleotide variant.
Coding change: c.557G>T on transcript NM_001849.4 (MANE Select); coding-DNA position 557, G replaced by T.
Protein change: p.Arg186Leu; replaces arginine 186 with leucine.
Molecular consequence: missense variant.
Genome position (GRCh38, 1-based): chr21:46,112,420, G>T. VCF-style: chr21-46112420-G-T. GRCh37 (hg19) VCF-style: chr21-47532334-G-T.
Other names: c.557G>T, p.Arg186Leu (NM_058174.3, NM_058175.3); short protein forms R186L.
Identifiers: ClinVar variation 849820 (VCV000849820.10), dbSNP rs376291264, ClinGen allele CA410521979.
Genomic context (GRCh38, chr21:46,112,420, plus strand): 5'-CCGGCAGCCCCTGCGGGGGCATCAAGCTGCAGGCCGAGCGGGCCCGCGAGGAGGGCATCC[G>T]GCTCTTCGCCGTGGCCCCCAACCAGAACCTGAAGGAGCAGGGCCTGCGGGACATCGCCAG-3'
Protein context (NP_001840.3, residues 176-196): QAERAREEGI[Arg186Leu]LFAVAPNQNL

ClinVar aggregate classification (germline): Uncertain significance (1 of 4 stars; one submission).

Conditions:
Bethlem myopathy 1A. Also called: MYOPATHY, BENIGN CONGENITAL, WITH CONTRACTURES; Bethlem myopathy 1; Bethlem Muscular Dystrophy. Identifiers: Orphanet 610, MedGen CN029274, MONDO:0024530, OMIM 158810.

gnomAD v4.1: 1 of 1,609,016 alleles (0.000062%); highest among the groups gnomAD compares: Non-Finnish European, 0.000085%; no homozygotes.

Submission:

Labcorp Genetics (formerly Invitae), Labcorp
Classification: Uncertain significance for Bethlem myopathy 1A. Last evaluated: 2019-01-26. Review status: criteria provided, single submitter. Criteria: Invitae Variant Classification Sherloc (09022015). Collection method: clinical testing. Allele origin: germline.
Comment: This variant has not been reported in the literature in individuals with COL6A2-related conditions. This sequence change replaces arginine with leucine at codon 186 of the COL6A2 protein (p.Arg186Leu). The arginine residue is moderately conserved and there is a moderate physicochemical difference between arginine and leucine. This variant is not present in population databases (ExAC no frequency). Algorithms developed to predict the effect of missense changes on protein structure and function are either unavailable or do not agree on the potential impact of this missense change (SIFT: "Deleterious"; PolyPhen-2: "Benign"; Align-GVGD: "Class C0"). In summary, the available evidence is currently insufficient to determine the role of this variant in disease. Therefore, it has been classified as a Variant of Uncertain Significance.